The following is an entry in ClinVar:

ClinVar aggregate classification (germline): Uncertain significance (1 of 4 stars; one submission).

Conditions:
Hyperkalemic periodic paralysis. Also called: Familial hyperkalemic periodic paralysis; Gamstorp disease. Identifiers: Orphanet 682, MedGen C0238357, MONDO:0008224, OMIM 170500, HP:0007215.

gnomAD v4.1: 2 of 1,613,930 alleles (0.00012%); highest among the groups gnomAD compares: Non-Finnish European, 0.00017%; no homozygotes.

Submission:

Labcorp Genetics (formerly Invitae), Labcorp
Classification: Uncertain significance for Hyperkalemic periodic paralysis. Last evaluated: 2024-12-07. Review status: criteria provided, single submitter. Criteria: Invitae Variant Classification Sherloc (09022015). Collection method: clinical testing. Allele origin: germline.
Comment: This sequence change replaces histidine, which is basic and polar, with glutamine, which is neutral and polar, at codon 1675 of the SCN4A protein (p.His1675Gln). This variant is present in population databases (rs759412223, gnomAD 0.0009%). This variant has not been reported in the literature in individuals affected with SCN4A-related conditions. Invitae Evidence Modeling of protein sequence and biophysical properties (such as structural, functional, and spatial information, amino acid conservation, physicochemical variation, residue mobility, and thermodynamic stability) indicates that this missense variant is expected to disrupt SCN4A protein function with a positive predictive value of 95%. In summary, the available evidence is currently insufficient to determine the role of this variant in disease. Therefore, it has been classified as a Variant of Uncertain Significance.

NM_000334.4(SCN4A):c.5025C>A (p.His1675Gln)

Genes: GH-LCR (growth hormone locus control region; plus strand), SCN4A (sodium voltage-gated channel alpha subunit 4; minus strand). Cytogenetic location: 17q23.3.
Variant type: single nucleotide variant.
Coding change: c.5025C>A on transcript NM_000334.4 (MANE Select); coding-DNA position 5025, C replaced by A.
Protein change: p.His1675Gln; replaces histidine 1675 with glutamine.
Molecular consequence: missense variant.
Genome position (GRCh38, 1-based): chr17:63,941,257, G>T on the plus strand (C>A on the coding strand, the complement: SCN4A is on the minus strand). VCF-style: chr17-63941257-G-T. GRCh37 (hg19) VCF-style: chr17-62018617-G-T.
Other names: short protein forms H1675Q.
Identifiers: ClinVar variation 3607700 (VCV003607700.2).